The following is an entry in ClinVar:

ClinVar aggregate classification (germline): Uncertain significance (1 of 4 stars; one submission).

Conditions:
Dilated cardiomyopathy 1G (CMD1G). Identifiers: Orphanet 154, MedGen C1858763, MONDO:0011400, OMIM 604145.
Autosomal recessive limb-girdle muscular dystrophy type 2J (LGMDR10). Also called: MUSCULAR DYSTROPHY, LIMB-GIRDLE, AUTOSOMAL RECESSIVE 10; Limb-girdle muscular dystrophy, type 2J. Identifiers: Orphanet 140922, MedGen C1837342, MONDO:0012127, OMIM 608807.

Allele frequency attached by ClinVar (database versions not stated): gnomAD exomes 0.00002.
gnomAD v4.1: 27 of 1,613,894 alleles (0.0017%); highest among the groups gnomAD compares: Non-Finnish European, 0.0022%; no homozygotes.

Submission:

Labcorp Genetics (formerly Invitae), Labcorp
Classification: Uncertain significance for Dilated cardiomyopathy 1G; Autosomal recessive limb-girdle muscular dystrophy type 2J. Last evaluated: 2024-11-05. Review status: criteria provided, single submitter. Criteria: Invitae Variant Classification Sherloc (09022015). Collection method: clinical testing. Allele origin: germline.
Comment: This sequence change replaces tyrosine, which is neutral and polar, with asparagine, which is neutral and polar, at codon 34307 of the TTN protein (p.Tyr34307Asn). This variant is present in population databases (rs769306235, gnomAD 0.003%). This variant has not been reported in the literature in individuals affected with TTN-related conditions. ClinVar contains an entry for this variant (Variation ID: 2421171). Experimental studies and prediction algorithms are not available or were not evaluated, and the functional significance of this variant is currently unknown. This variant is located in the M band of TTN (PMID: 25589632). Non-truncating variants in this region may be relevant for neuromuscular disorders, but have not been definitively shown to cause cardiomyopathy (PMID: 23975875). In summary, the available evidence is currently insufficient to determine the role of this variant in disease. Therefore, it has been classified as a Variant of Uncertain Significance.

Literature cited by the submitters: PubMed 25589632; PubMed 23975875.

NM_001267550.2(TTN):c.102919T>A (p.Tyr34307Asn)

Genes: TTN (titin; minus strand), TTN-AS1 (TTN antisense RNA 1; plus strand). Cytogenetic location: 2q31.2.
Variant type: single nucleotide variant.
Coding change: c.102919T>A on transcript NM_001267550.2 (MANE Select); coding-DNA position 102919, T replaced by A.
Protein change: p.Tyr34307Asn; replaces tyrosine 34307 with asparagine.
Molecular consequence: missense variant.
Genome position (GRCh38, 1-based): chr2:178,533,696, A>T on the plus strand (T>A on the coding strand, the complement: TTN is on the minus strand). VCF-style: chr2-178533696-A-T. GRCh37 (hg19) VCF-style: chr2-179398423-A-T.
Other names: c.97996T>A, p.Tyr32666Asn (NM_001256850.1); c.75724T>A, p.Tyr25242Asn (NM_003319.4); c.95215T>A, p.Tyr31739Asn (NM_133378.4); c.76099T>A, p.Tyr25367Asn (NM_133432.3); c.76300T>A, p.Tyr25434Asn (NM_133437.4); short protein forms Y25242N, Y25367N, Y25434N, Y31739N, Y32666N, Y34307N.
Identifiers: ClinVar variation 2421171 (VCV002421171.4), dbSNP rs769306235, ClinGen allele CA60957701.